The following is an entry in ClinVar:

NM_022455.5(NSD1):c.5757G>C (p.Glu1919Asp)

Gene: NSD1 (nuclear receptor binding SET domain protein 1; plus strand). Cytogenetic location: 5q35.3.
Variant type: single nucleotide variant.
Coding change: c.5757G>C on transcript NM_022455.5 (MANE Select); coding-DNA position 5757, G replaced by C.
Protein change: p.Glu1919Asp; replaces glutamic acid 1919 with aspartic acid.
Molecular consequence: missense variant.
Genome position (GRCh38, 1-based): chr5:177,280,699, G>C. VCF-style: chr5-177280699-G-C. GRCh37 (hg19) VCF-style: chr5-176707700-G-C.
Other names: c.4884G>C, p.Glu1628Asp (NM_001365684.2, NM_001409308.1, NM_001409309.1 and 1 more transcripts); c.5757G>C, p.Glu1919Asp (NM_001409301.1, NM_001409302.1, NM_001409303.1); c.5337G>C, p.Glu1779Asp (NM_001409304.1); c.5004G>C, p.Glu1668Asp (NM_001409305.1); c.4995G>C, p.Glu1665Asp (NM_001409306.1, NM_001409307.1); short protein forms E1919D, E1665D, E1668D, E1628D, E1779D.
Identifiers: ClinVar variation 4746252 (VCV004746252.1).

ClinVar aggregate classification (germline): Uncertain significance (1 of 4 stars; one submission).

Submission:

Labcorp Genetics (formerly Invitae), Labcorp
Classification: Uncertain significance. Last evaluated: 2025-03-11. Review status: criteria provided, single submitter. Criteria: Invitae Variant Classification Sherloc (09022015). Collection method: clinical testing. Allele origin: germline.
Comment: This sequence change replaces glutamic acid, which is acidic and polar, with aspartic acid, which is acidic and polar, at codon 1919 of the NSD1 protein (p.Glu1919Asp). This variant is not present in population databases (gnomAD no frequency). This variant has not been reported in the literature in individuals affected with NSD1-related conditions. Invitae Evidence Modeling of protein sequence and biophysical properties (such as structural, functional, and spatial information, amino acid conservation, physicochemical variation, residue mobility, and thermodynamic stability) indicates that this missense variant is expected to disrupt NSD1 protein function with a positive predictive value of 95%. In summary, the available evidence is currently insufficient to determine the role of this variant in disease. Therefore, it has been classified as a Variant of Uncertain Significance.